The following is an entry in ClinVar:

ClinVar aggregate classification (germline): Uncertain significance (1 of 4 stars; one submission).

Submission:

Labcorp Genetics (formerly Invitae), Labcorp
Classification: Uncertain significance. Last evaluated: 2024-10-17. Review status: criteria provided, single submitter. Criteria: Invitae Variant Classification Sherloc (09022015). Collection method: clinical testing. Allele origin: germline.
Comment: This sequence change falls in intron 9 of the GFM2 gene. It does not directly change the encoded amino acid sequence of the GFM2 protein. It affects a nucleotide within the consensus splice site. This variant is not present in population databases (gnomAD no frequency). This variant has not been reported in the literature in individuals affected with GFM2-related conditions. Variants that disrupt the consensus splice site are a relatively common cause of aberrant splicing (PMID: 17576681, 9536098). Algorithms developed to predict the effect of sequence changes on RNA splicing suggest that this variant is not likely to affect RNA splicing. In summary, the available evidence is currently insufficient to determine the role of this variant in disease. Therefore, it has been classified as a Variant of Uncertain Significance.

Literature cited by the submitters: PubMed 17576681; PubMed 9536098.

NM_032380.5(GFM2):c.669+4A>T

Gene: GFM2 (GTP dependent ribosome recycling factor mitochondrial 2; minus strand). Cytogenetic location: 5q13.3.
Variant type: single nucleotide variant.
Coding change: c.669+4A>T on transcript NM_032380.5 (MANE Select); 4 bases into the intron after coding-DNA position 669, A replaced by T.
Molecular consequence: intron variant.
Genome position (GRCh38, 1-based): chr5:74,746,101, T>A on the plus strand (A>T on the coding strand, the complement: GFM2 is on the minus strand). VCF-style: chr5-74746101-T-A. GRCh37 (hg19) VCF-style: chr5-74041926-T-A.
Other names: c.669+4A>T (NM_170691.3, NM_170681.3); c.765+4A>T (NM_001281302.2).
Identifiers: ClinVar variation 3643852 (VCV003643852.2).